The following is an entry in ClinVar:

NM_002296.4(LBR):c.1717A>G (p.Ile573Val)

Gene: LBR (lamin B receptor; minus strand). Cytogenetic location: 1q42.12.
Variant type: single nucleotide variant.
Coding change: c.1717A>G on transcript NM_002296.4 (MANE Select); coding-DNA position 1717, A replaced by G.
Protein change: p.Ile573Val; replaces isoleucine 573 with valine.
Molecular consequence: missense variant.
Genome position (GRCh38, 1-based): chr1:225,403,434, T>C on the plus strand (A>G on the coding strand, the complement: LBR is on the minus strand). VCF-style: chr1-225403434-T-C. GRCh37 (hg19) VCF-style: chr1-225591136-T-C.
Other names: c.1717A>G, p.Ile573Val (NM_194442.3); short protein forms I573V.
Identifiers: ClinVar variation 1046512 (VCV001046512.8), dbSNP rs2096085242, ClinGen allele CA344992698.

ClinVar aggregate classification (germline): Uncertain significance (1 of 4 stars; one submission).

gnomAD v4.1: 2 of 1,612,778 alleles (0.00012%); highest among the groups gnomAD compares: Non-Finnish European, 0.00017%; no homozygotes.

Submission:

Labcorp Genetics (formerly Invitae), Labcorp
Classification: Uncertain significance. Last evaluated: 2024-09-12. Review status: criteria provided, single submitter. Criteria: Invitae Variant Classification Sherloc (09022015). Collection method: clinical testing. Allele origin: germline.
Comment: This sequence change replaces isoleucine, which is neutral and non-polar, with valine, which is neutral and non-polar, at codon 573 of the LBR protein (p.Ile573Val). This variant is not present in population databases (gnomAD no frequency). This variant has not been reported in the literature in individuals affected with LBR-related conditions. ClinVar contains an entry for this variant (Variation ID: 1046512). Invitae Evidence Modeling of protein sequence and biophysical properties (such as structural, functional, and spatial information, amino acid conservation, physicochemical variation, residue mobility, and thermodynamic stability) indicates that this missense variant is not expected to disrupt LBR protein function with a negative predictive value of 80%. In summary, the available evidence is currently insufficient to determine the role of this variant in disease. Therefore, it has been classified as a Variant of Uncertain Significance.